The following is an entry in ClinVar:

ClinVar aggregate classification (germline): Uncertain significance (1 of 4 stars; one submission).

Submission:

GeneDx
Classification: Uncertain significance. Last evaluated: 2020-07-13. Review status: criteria provided, single submitter. Criteria: GeneDx Variant Classification Process June 2021. Collection method: clinical testing. Allele origin: germline. Affected: yes.
Comment: Not observed in large population cohorts (Lek et al., 2016); In silico analysis, which includes protein predictors and evolutionary conservation, supports a deleterious effect; Has not been previously published as pathogenic or benign to our knowledge

NM_001429.4(EP300):c.175G>C (p.Gly59Arg)

Gene: EP300 (E1A binding protein p300; plus strand). Cytogenetic location: 22q13.2.
Variant type: single nucleotide variant.
Coding change: c.175G>C on transcript NM_001429.4 (MANE Select); coding-DNA position 175, G replaced by C.
Protein change: p.Gly59Arg; replaces glycine 59 with arginine.
Molecular consequence: missense variant.
Genome position (GRCh38, 1-based): chr22:41,117,267, G>C. VCF-style: chr22-41117267-G-C. GRCh37 (hg19) VCF-style: chr22-41513271-G-C.
Other names: c.175G>C, p.Gly59Arg (NM_001362843.2); short protein forms G59R.
Identifiers: ClinVar variation 1309372 (VCV001309372.2), dbSNP rs1569090280, ClinGen allele CA411679789.
Genomic context (GRCh38, chr22:41,117,267, plus strand): 5'-TTGGAGCACGACTTACCAGATGAATTAATCAACTCTACAGAATTGGGACTAACCAATGGT[G>C]GTGATATTAATCAGCTTCAGACAAGTCTTGGCATGGTACAAGATGCAGCTTCTAAACATA-3'
Protein context (NP_001420.2, residues 49-69): NSTELGLTNG[Gly59Arg]DINQLQTSLG